The following is an entry in ClinVar:

NM_182914.3(SYNE2):c.15471G>T (p.Met5157Ile)

Gene: SYNE2 (spectrin repeat containing nuclear envelope protein 2; plus strand). Cytogenetic location: 14q23.2.
Variant type: single nucleotide variant.
Coding change: c.15471G>T on transcript NM_182914.3 (MANE Select); coding-DNA position 15471, G replaced by T.
Protein change: p.Met5157Ile; replaces methionine 5157 with isoleucine.
Molecular consequence: missense variant.
Genome position (GRCh38, 1-based): chr14:64,143,936, G>T. VCF-style: chr14-64143936-G-T. GRCh37 (hg19) VCF-style: chr14-64610654-G-T.
Other names: c.15471G>T, p.Met5157Ile (NM_015180.6); short protein forms M5157I.
Identifiers: ClinVar variation 1521077 (VCV001521077.6), dbSNP rs774589129, ClinGen allele CA389944538.

ClinVar aggregate classification (germline): Uncertain significance (1 of 4 stars; one submission).

Conditions:
Emery-Dreifuss muscular dystrophy 5, autosomal dominant (EDMD5). Also called: EMERY-DREIFUSS MUSCULAR DYSTROPHY 5. Identifiers: Orphanet 261, MedGen C2751805, MONDO:0013072, OMIM 612999.

Submission:

Labcorp Genetics (formerly Invitae), Labcorp
Classification: Uncertain significance for Emery-Dreifuss muscular dystrophy 5, autosomal dominant. Last evaluated: 2021-11-05. Review status: criteria provided, single submitter. Criteria: Invitae Variant Classification Sherloc (09022015). Collection method: clinical testing. Allele origin: germline.
Comment: In summary, the available evidence is currently insufficient to determine the role of this variant in disease. Therefore, it has been classified as a Variant of Uncertain Significance. Algorithms developed to predict the effect of missense changes on protein structure and function (SIFT, PolyPhen-2, Align-GVGD) all suggest that this variant is likely to be tolerated. This variant has not been reported in the literature in individuals affected with SYNE2-related conditions. This variant is not present in population databases (gnomAD no frequency). This sequence change replaces methionine, which is neutral and non-polar, with isoleucine, which is neutral and non-polar, at codon 5157 of the SYNE2 protein (p.Met5157Ile).